The following is an entry in ClinVar:

NM_006258.4(PRKG1):c.1103C>A (p.Ala368Asp)

Gene: PRKG1 (protein kinase cGMP-dependent 1; plus strand). Cytogenetic location: 10q21.1.
Variant type: single nucleotide variant.
Coding change: c.1103C>A on transcript NM_006258.4 (MANE Select); coding-DNA position 1103, C replaced by A.
Protein change: p.Ala368Asp; replaces alanine 368 with aspartic acid.
Molecular consequence: missense variant. On other transcripts: 5 prime UTR variant (1).
Genome position (GRCh38, 1-based): chr10:52,251,596, C>A. VCF-style: chr10-52251596-C-A. GRCh37 (hg19) VCF-style: chr10-54011356-C-A.
Other names: c.1058C>A, p.Ala353Asp (NM_001098512.3); c.-107C>A (NM_001374781.1); short protein forms A353D, A368D.
Identifiers: ClinVar variation 3783393 (VCV003783393.1).

ClinVar aggregate classification (germline): Uncertain significance (1 of 4 stars; one submission).

Conditions:
Familial thoracic aortic aneurysm and aortic dissection (TAAD). Also called: Thoracic aortic aneurysms and dissections. Identifiers: Orphanet 91387, MedGen C4707243, MONDO:0019625.

Submission:

Ambry Genetics
Classification: Uncertain significance for Familial thoracic aortic aneurysm and aortic dissection. Last evaluated: 2025-01-27. Review status: criteria provided, single submitter. Criteria: Ambry Variant Classification Scheme 2023. Collection method: clinical testing. Allele origin: germline.
Comment: The p.A368D variant (also known as c.1103C>A), located in coding exon 10 of the PRKG1 gene, results from a C to A substitution at nucleotide position 1103. The alanine at codon 368 is replaced by aspartic acid, an amino acid with dissimilar properties. This amino acid position is conserved. In addition, this alteration is predicted to be tolerated by in silico analysis. Based on the available evidence, the clinical significance of this variant remains unclear.